The following is an entry in ClinVar:

NM_052813.5(CARD9):c.1259C>T (p.Thr420Met)

Gene: CARD9 (caspase recruitment domain family member 9; minus strand). Cytogenetic location: 9q34.3.
Variant type: single nucleotide variant.
Coding change: c.1259C>T on transcript NM_052813.5 (MANE Select); coding-DNA position 1259, C replaced by T.
Protein change: p.Thr420Met; replaces threonine 420 with methionine.
Molecular consequence: missense variant.
Genome position (GRCh38, 1-based): chr9:136,367,647, G>A on the plus strand (C>T on the coding strand, the complement: CARD9 is on the minus strand). VCF-style: chr9-136367647-G-A. GRCh37 (hg19) VCF-style: chr9-139262099-G-A.
Other names: c.1259C>T (NM_052813.4); c.1259C>T, p.Thr420Met (NM_052814.4); short protein forms T420M.
Identifiers: ClinVar variation 1395949 (VCV001395949.4), dbSNP rs767880614, ClinGen allele CA5332783.
Genomic context (GRCh38, chr9:136,367,647, plus strand): 5'-CCTGCATCCCACGCGCCGGCTCCCCTCCCTGCCGCAGGCCCCAGGCCCACCAGGACGAGC[G>A]TCTCCAGCTGCTGCCGCCTGAGCCTGCCCTCCACGGCCAGTAGCTGCGCCTCACACTGGA-3'
Protein context (NP_434700.2, residues 410-430): EGRLRRQQLE[Thr420Met]LVLSSDLEDG

ClinVar aggregate classification (germline): Uncertain significance. Review status: criteria provided, multiple submitters, no conflicts (2 of 4 stars). 2 submissions from 2 submitters: Uncertain significance (2). Last evaluated 2024-02-17.

Conditions:
Inborn genetic diseases. Identifiers: MedGen C0950123, MeSH D030342.
Predisposition to invasive fungal disease due to CARD9 deficiency (IMD103). Also called: CARD9 IMMUNODEFICIENCY; Candidiasis, familial, 2, autosomal recessive; IMMUNODEFICIENCY 103, SUSCEPTIBILITY TO FUNGAL INFECTIONS. Identifiers: Orphanet 457088, MedGen C1859353, MONDO:0008905, OMIM 212050.

Allele frequency attached by ClinVar (database versions not stated): gnomAD 0.00001; gnomAD exomes 0.00001 and 0.00002; ExAC 0.00010.
gnomAD v4.1: 20 of 1,588,840 alleles (0.0013%); highest among the groups gnomAD compares: South Asian, 0.0067%; no homozygotes.

Submissions (2):

Ambry Genetics
Classification: Uncertain significance for Inborn genetic diseases. Last evaluated: 2024-02-17. Review status: criteria provided, single submitter. Criteria: Ambry Variant Classification Scheme 2023. Collection method: clinical testing. Allele origin: germline.

Labcorp Genetics (formerly Invitae), Labcorp
Classification: Uncertain significance for Predisposition to invasive fungal disease due to CARD9 deficiency. Last evaluated: 2021-12-01. Review status: criteria provided, single submitter. Criteria: Invitae Variant Classification Sherloc (09022015). Collection method: clinical testing. Allele origin: germline.
Comment: This sequence change replaces threonine, which is neutral and polar, with methionine, which is neutral and non-polar, at codon 420 of the CARD9 protein (p.Thr420Met). This variant is present in population databases (rs767880614, gnomAD 0.01%). This variant has not been reported in the literature in individuals affected with CARD9-related conditions. Algorithms developed to predict the effect of missense changes on protein structure and function output the following: SIFT: "Tolerated"; PolyPhen-2: "Benign"; Align-GVGD: "Class C0". The methionine amino acid residue is found in multiple mammalian species, which suggests that this missense change does not adversely affect protein function. In summary, the available evidence is currently insufficient to determine the role of this variant in disease. Therefore, it has been classified as a Variant of Uncertain Significance.